The following is an entry in ClinVar:

NM_001034853.2(RPGR):c.2222AGG[1] (p.Glu742del)

Gene: RPGR (retinitis pigmentosa GTPase regulator; minus strand). Cytogenetic location: Xp11.4.
Variant type: Microsatellite.
Coding change: c.2222AGG[1] on transcript NM_001034853.2 (MANE Select); one copy of the 3-base unit AGG starting at c.2222; the reference has two copies in a row; one copy, 3 bases deleted.
Protein change: p.Glu742del; deletes glutamic acid 742.
Molecular consequence: inframe deletion. On other transcripts: intron variant (8).
Genome position (GRCh38, 1-based): chrX:38,286,772-38,286,774, CCT deleted on the plus strand (AGG on the coding strand, the reverse complement: RPGR is on the minus strand); deleting any 3 consecutive bases within chrX:38,286,772-38,286,778 gives the same sequence; the position shown is the placement nearest the transcript's 3' end. VCF-style (leftmost placement, unchanged base first): chrX-38286771-CCCT-C. GRCh37 (hg19) VCF-style: chrX-38146024-CCCT-C.
Other names: c.1569+4185_1569+4187del (NM_001367249.1, NM_001367250.1); c.1902+320_1902+322del (NM_001367245.1); c.1386+4185_1386+4187del (NM_001367251.1); c.1719+320_1719+322del (NM_001367246.1); c.1572+4185_1572+4187del (NM_001367247.1); c.1905+320_1905+322del (NM_000328.3); c.1602+4185_1602+4187del (NM_001367248.1); c.2225_2227delAGG (NM_001034853.1); short protein forms E742del.
Identifiers: ClinVar variation 2010403 (VCV002010403.5), dbSNP rs756401194, ClinGen allele CA10385297.

ClinVar aggregate classification (germline): Conflicting classifications of pathogenicity. Review status: criteria provided, conflicting classifications (1 of 4 stars). 3 submissions from 3 submitters: Uncertain significance (1); Likely benign (2). Last evaluated 2026-06-16.

Conditions:
Primary ciliary dyskinesia. Also called: Ciliary dyskinesia. Identifiers: Orphanet 244, MedGen C0008780, MONDO:0016575, HP:0012265.
RPGR-related disorder. Also called: RPGR-related condition.

Submissions (3):

PreventionGenetics, part of Exact Sciences
Classification: Likely benign for RPGR-related condition. Last evaluated: 2026-06-16. Review status: criteria provided, single submitter. Criteria: ACMG Guidelines, 2015. Collection method: clinical testing. Allele origin: germline.
Comment: This variant is classified as likely benign based on ACMG/AMP sequence variant interpretation guidelines (Richards et al. 2015 PMID: 25741868, with internal and published modifications).

Labcorp Genetics (formerly Invitae), Labcorp
Classification: Uncertain significance for Primary ciliary dyskinesia. Last evaluated: 2024-10-28. Review status: criteria provided, single submitter. Criteria: Invitae Variant Classification Sherloc (09022015). Collection method: clinical testing. Allele origin: germline.
Comment: This variant, c.2225_2227del, results in the deletion of 1 amino acid(s) of the RPGR (ORF15) protein (p.Glu742del), but otherwise preserves the integrity of the reading frame. The frequency data for this variant in the population databases is considered unreliable, as metrics indicate poor data quality at this position in the gnomAD database. This variant has not been reported in the literature in individuals affected with RPGR (ORF15)-related conditions. Experimental studies and prediction algorithms are not available or were not evaluated, and the functional significance of this variant is currently unknown. In summary, the available evidence is currently insufficient to determine the role of this variant in disease. Therefore, it has been classified as a Variant of Uncertain Significance.

Blueprint Genetics
Classification: Likely benign. Last evaluated: 2024-10-17. Review status: criteria provided, single submitter. Criteria: ACMG Guidelines, 2015. Collection method: clinical testing. Allele origin: germline.